The following is an entry in ClinVar:

ClinVar aggregate classification (germline): Uncertain significance (1 of 4 stars; one submission).

Submission:

Labcorp Genetics (formerly Invitae), Labcorp
Classification: Uncertain significance. Last evaluated: 2023-10-23. Review status: criteria provided, single submitter. Criteria: Invitae Variant Classification Sherloc (09022015). Collection method: clinical testing. Allele origin: germline.
Comment: This sequence change replaces arginine, which is basic and polar, with leucine, which is neutral and non-polar, at codon 381 of the CHRM2 protein (p.Arg381Leu). This variant is not present in population databases (gnomAD no frequency). This variant has not been reported in the literature in individuals affected with CHRM2-related conditions. An algorithm developed to predict the effect of missense changes on protein structure and function (PolyPhen-2) suggests that this variant is likely to be disruptive. In summary, the available evidence is currently insufficient to determine the role of this variant in disease. Therefore, it has been classified as a Variant of Uncertain Significance.

NM_001006630.2(CHRM2):c.1142G>T (p.Arg381Leu)

Genes: CHRM2 (cholinergic receptor muscarinic 2; plus strand), LOC349160 (uncharacterized LOC349160; minus strand). Cytogenetic location: 7q33.
Variant type: single nucleotide variant.
Coding change: c.1142G>T on transcript NM_001006630.2 (MANE Select); coding-DNA position 1142, G replaced by T.
Protein change: p.Arg381Leu; replaces arginine 381 with leucine.
Molecular consequence: missense variant.
Genome position (GRCh38, 1-based): chr7:137,016,007, G>T. VCF-style: chr7-137016007-G-T. GRCh37 (hg19) VCF-style: chr7-136700754-G-T.
Other names: c.1142G>T, p.Arg381Leu (NM_000739.3, NM_001006626.3, NM_001006627.3 and 6 more transcripts); short protein forms R381L.
Identifiers: ClinVar variation 2771173 (VCV002771173.3), dbSNP rs1432230108, ClinGen allele CA369488051.